The following is an entry in ClinVar:

ClinVar aggregate classification (germline): Uncertain significance. Review status: criteria provided, multiple submitters, no conflicts (2 of 4 stars). 2 submissions from 2 submitters: Uncertain significance (2). Last evaluated 2025-10-15.

Conditions:
Inborn genetic diseases. Identifiers: MedGen C0950123, MeSH D030342.

Allele frequency attached by ClinVar (database versions not stated): TOPMed 0.00001; gnomAD 0.00001; gnomAD exomes 0.00004; ExAC 0.00001.
gnomAD v4.1: 54 of 1,607,718 alleles (0.0034%); highest among the groups gnomAD compares: Non-Finnish European, 0.0042%; no homozygotes.

Submissions (2):

Ambry Genetics
Classification: Uncertain significance for Inborn genetic diseases. Last evaluated: 2025-10-15. Review status: criteria provided, single submitter. Criteria: Ambry Variant Classification Scheme 2023. Collection method: clinical testing. Allele origin: germline.

Labcorp Genetics (formerly Invitae), Labcorp
Classification: Uncertain significance. Last evaluated: 2022-03-26. Review status: criteria provided, single submitter. Criteria: Invitae Variant Classification Sherloc (09022015). Collection method: clinical testing. Allele origin: germline.
Comment: In summary, the available evidence is currently insufficient to determine the role of this variant in disease. Therefore, it has been classified as a Variant of Uncertain Significance. Algorithms developed to predict the effect of missense changes on protein structure and function are either unavailable or do not agree on the potential impact of this missense change (SIFT: "Not Available"; PolyPhen-2: "Probably Damaging"; Align-GVGD: "Not Available"). This variant has not been reported in the literature in individuals affected with DDRGK1-related conditions. This variant is present in population databases (rs778690394, gnomAD 0.004%). This sequence change replaces glutamic acid, which is acidic and polar, with glycine, which is neutral and non-polar, at codon 179 of the DDRGK1 protein (p.Glu179Gly).

NM_023935.3(DDRGK1):c.536A>G (p.Glu179Gly)

Gene: DDRGK1 (DDRGK domain containing 1; minus strand). Cytogenetic location: 20p13.
Variant type: single nucleotide variant.
Coding change: c.536A>G on transcript NM_023935.3 (MANE Select); coding-DNA position 536, A replaced by G.
Protein change: p.Glu179Gly; replaces glutamic acid 179 with glycine.
Molecular consequence: missense variant.
Genome position (GRCh38, 1-based): chr20:3,195,328, T>C on the plus strand (A>G on the coding strand, the complement: DDRGK1 is on the minus strand). VCF-style: chr20-3195328-T-C. GRCh37 (hg19) VCF-style: chr20-3175974-T-C.
Other names: c.536A>G (NM_023935.1); short protein forms E179G.
Identifiers: ClinVar variation 1944565 (VCV001944565.5), dbSNP rs778690394, ClinGen allele CA9740876.